The following is an entry in ClinVar:

NM_000341.4(SLC3A1):c.1012-11G>A

Gene: SLC3A1 (solute carrier family 3 member 1; plus strand). Cytogenetic location: 2p21.
Variant type: single nucleotide variant.
Coding change: c.1012-11G>A on transcript NM_000341.4 (MANE Select); 11 bases into the intron before coding-DNA position 1012, G replaced by A.
Molecular consequence: intron variant.
Genome position (GRCh38, 1-based): chr2:44,300,992, G>A. VCF-style: chr2-44300992-G-A. GRCh37 (hg19) VCF-style: chr2-44528131-G-A.
Identifiers: ClinVar variation 2139600 (VCV002139600.4), dbSNP rs746596929, ClinGen allele CA1640374.

ClinVar aggregate classification (germline): Uncertain significance (1 of 4 stars; one submission).

Conditions:
Cystinuria (CSNU). Also called: CYSTINURIA, TYPE I; CYSTINURIA, TYPE II; CYSTINURIA, TYPE III; Cystinuria, non-type I. Identifiers: Orphanet 214, MedGen C0010691, MONDO:0009067, OMIM 220100, HP:0003131.

Allele frequency attached by ClinVar (database versions not stated): ExAC 0.00001; gnomAD 0.00003; TOPMed 0.00003; gnomAD exomes 0.00004.
gnomAD v4.1: 61 of 1,613,700 alleles (0.0038%); highest among the groups gnomAD compares: Non-Finnish European, 0.005%; no homozygotes.

Submission:

Labcorp Genetics (formerly Invitae), Labcorp
Classification: Uncertain significance for Cystinuria. Last evaluated: 2024-10-16. Review status: criteria provided, single submitter. Criteria: Invitae Variant Classification Sherloc (09022015). Collection method: clinical testing. Allele origin: germline.
Comment: This sequence change falls in intron 5 of the SLC3A1 gene. It does not directly change the encoded amino acid sequence of the SLC3A1 protein. This variant is present in population databases (rs746596929, gnomAD 0.004%). This variant has not been reported in the literature in individuals affected with SLC3A1-related conditions. ClinVar contains an entry for this variant (Variation ID: 2139600). Algorithms developed to predict the effect of sequence changes on RNA splicing suggest that this variant may disrupt the consensus splice site. In summary, the available evidence is currently insufficient to determine the role of this variant in disease. Therefore, it has been classified as a Variant of Uncertain Significance.